The following is an entry in ClinVar:

ClinVar aggregate classification (germline): Uncertain significance (1 of 4 stars; one submission).

Conditions:
Hereditary cancer-predisposing syndrome. Also called: Neoplastic Syndromes, Hereditary; Tumor predisposition; Hereditary Cancer Syndrome; Hereditary neoplastic syndrome. Identifiers: Orphanet 140162, MedGen C0027672, MeSH D009386, MONDO:0015356.

Submission:

Ambry Genetics
Classification: Uncertain significance for Hereditary cancer-predisposing syndrome. Last evaluated: 2026-05-31. Review status: criteria provided, single submitter. Criteria: Ambry Variant Classification Scheme 2023. Collection method: clinical testing. Allele origin: germline.
Comment: The p.S1244C variant (also known as c.3731C>G), located in coding exon 24 of the RAD50 gene, results from a C to G substitution at nucleotide position 3731. The serine at codon 1244 is replaced by cysteine, an amino acid with dissimilar properties. This amino acid position is conserved. In addition, this alteration is predicted to be tolerated by in silico analysis. Based on the available evidence, the clinical significance of this variant remains unclear.

NM_005732.4(RAD50):c.3731C>G (p.Ser1244Cys)

Genes: RAD50 (RAD50 double strand break repair protein; plus strand), TH2-LCR (Th2 cytokine locus control region; plus strand), TH2LCRR (T helper type 2 locus control region associated RNA; minus strand). Cytogenetic location: 5q31.1.
Variant type: single nucleotide variant.
Coding change: c.3731C>G on transcript NM_005732.4 (MANE Select); coding-DNA position 3731, C replaced by G.
Protein change: p.Ser1244Cys; replaces serine 1244 with cysteine.
Molecular consequence: missense variant.
Genome position (GRCh38, 1-based): chr5:132,640,784, C>G. VCF-style: chr5-132640784-C-G. GRCh37 (hg19) VCF-style: chr5-131976476-C-G.
Other names: short protein forms S1244C.
Identifiers: ClinVar variation 4862855 (VCV004862855.1).